The following is an entry in ClinVar:

NM_005475.3(SH2B3):c.676C>T (p.Arg226Trp)

Gene: SH2B3 (SH2B adaptor protein 3; plus strand). Cytogenetic location: 12q24.12.
Variant type: single nucleotide variant.
Coding change: c.676C>T on transcript NM_005475.3 (MANE Select); coding-DNA position 676, C replaced by T.
Protein change: p.Arg226Trp; replaces arginine 226 with tryptophan.
Molecular consequence: missense variant.
Genome position (GRCh38, 1-based): chr12:111,418,821, C>T. VCF-style: chr12-111418821-C-T. GRCh37 (hg19) VCF-style: chr12-111856625-C-T.
Other names: short protein forms R226W.
Identifiers: ClinVar variation 2376276 (VCV002376276.7), dbSNP rs940562223, ClinGen allele CA243602924.

ClinVar aggregate classification (germline): Uncertain significance. Review status: criteria provided, multiple submitters, no conflicts (2 of 4 stars). 3 submissions from 3 submitters: Uncertain significance (3). Last evaluated 2025-05-04.

Conditions:
SH2B3-related disorder. Also called: SH2B3-related condition.
Inborn genetic diseases. Identifiers: MedGen C0950123, MeSH D030342.

Allele frequency attached by ClinVar (database versions not stated): TOPMed 0.00010; 1000 Genomes Project 30x 0.00031.

Submissions (3):

Ambry Genetics
Classification: Uncertain significance for Inborn genetic diseases. Last evaluated: 2025-05-04. Review status: criteria provided, single submitter. Criteria: Ambry Variant Classification Scheme 2023. Collection method: clinical testing. Allele origin: germline.

PreventionGenetics, part of Exact Sciences
Classification: Uncertain significance for SH2B3-related condition. Last evaluated: 2025-02-18. Review status: criteria provided, single submitter. Criteria: ACMG Guidelines, 2015. Collection method: clinical testing. Allele origin: germline.
Comment: The SH2B3 c.676C>T variant is predicted to result in the amino acid substitution p.Arg226Trp. To our knowledge, this variant has not been reported in the literature. This variant is reported in 0.033% of alleles in individuals of African descent in gnomAD. At this time, the clinical significance of this variant is uncertain due to the absence of conclusive functional and genetic evidence.

Revvity Omics, Revvity
Classification: Uncertain significance. Last evaluated: 2022-12-15. Review status: criteria provided, single submitter. Criteria: ACMG Guidelines, 2015. Collection method: clinical testing. Allele origin: germline.